The following is an entry in ClinVar:

ClinVar aggregate classification (germline): Uncertain significance. Review status: criteria provided, multiple submitters, no conflicts (2 of 4 stars). 2 submissions from 2 submitters: Uncertain significance (2). Last evaluated 2025-11-11.

Allele frequency attached by ClinVar (database versions not stated): gnomAD exomes 0.00013 and 0.00018; gnomAD 0.00014 and 0.00015; ESP Exome Variant Server 0.00015; 1000 Genomes Project 30x 0.00016; TOPMed 0.00016; ExAC 0.00018; 1000 Genomes Project 0.00020.

Submissions (2):

Ambry Genetics
Classification: Uncertain significance. Last evaluated: 2025-11-11. Review status: criteria provided, single submitter. Criteria: Ambry Variant Classification Scheme 2023. Collection method: clinical testing. Allele origin: germline.

Labcorp Genetics (formerly Invitae), Labcorp
Classification: Uncertain significance. Last evaluated: 2025-04-10. Review status: criteria provided, single submitter. Criteria: Invitae Variant Classification Sherloc (09022015). Collection method: clinical testing. Allele origin: germline.
Comment: This sequence change replaces arginine, which is basic and polar, with glutamine, which is neutral and polar, at codon 585 of the GUF1 protein (p.Arg585Gln). This variant is present in population databases (rs116110746, gnomAD 0.03%). This variant has not been reported in the literature in individuals affected with GUF1-related conditions. ClinVar contains an entry for this variant (Variation ID: 1507839). An algorithm developed to predict the effect of missense changes on protein structure and function (PolyPhen-2) suggests that this variant is likely to be disruptive. In summary, the available evidence is currently insufficient to determine the role of this variant in disease. Therefore, it has been classified as a Variant of Uncertain Significance.

NM_021927.3(GUF1):c.1754G>A (p.Arg585Gln)

Gene: GUF1 (GTP binding elongation factor GUF1; plus strand). Cytogenetic location: 4p12.
Variant type: single nucleotide variant.
Coding change: c.1754G>A on transcript NM_021927.3 (MANE Select); coding-DNA position 1754, G replaced by A.
Protein change: p.Arg585Gln; replaces arginine 585 with glutamine.
Molecular consequence: missense variant. On other transcripts: intron variant (1).
Genome position (GRCh38, 1-based): chr4:44,695,653, G>A. VCF-style: chr4-44695653-G-A. GRCh37 (hg19) VCF-style: chr4-44697670-G-A.
Other names: c.1754G>A (NM_021927.2); c.782G>A, p.Arg261Gln (NM_001345867.2, NM_001345869.2); c.1715+1140G>A (NM_001345868.2); short protein forms R261Q, R585Q.
Identifiers: ClinVar variation 1507839 (VCV001507839.10), dbSNP rs116110746, ClinGen allele CA2905752.
Genomic context (GRCh38, chr4:44,695,653, plus strand): 5'-CAGTTGTATTTTTCTGTCTCAGAGACAAAGCTCATTCAATTGGCAAAGCCATATGTGAAC[G>A]GCTGAAGGATTCTCTTCCTAGGCAACTGTTTGAGATAGCAATTCAAGCTGCTATTGGAAG-3'
Protein context (NP_068746.2, residues 575-595): AHSIGKAICE[Arg585Gln]LKDSLPRQLF